The following is an entry in ClinVar:

ClinVar aggregate classification (germline): Likely benign (0 of 4 stars; one submission).

Conditions:
UNC5B-related disorder. Also called: UNC5B-related condition.

Allele frequency attached by ClinVar (database versions not stated): 1000 Genomes Project 0.00080; ExAC 0.00101; 1000 Genomes Project 30x 0.00109; ESP Exome Variant Server 0.00115; gnomAD exomes 0.00125.
gnomAD v4.1: 2,001 of 1,614,028 alleles (0.12%); highest among the groups gnomAD compares: Admixed American, 0.21%; 2 homozygotes.

Submission:

PreventionGenetics, part of Exact Sciences
Classification: Likely benign for UNC5B-related condition. Last evaluated: 2022-11-17. Review status: no assertion criteria provided. Collection method: clinical testing. Allele origin: germline.
Comment: This variant is classified as likely benign based on ACMG/AMP sequence variant interpretation guidelines (Richards et al. 2015 PMID: 25741868, with internal and published modifications).

NM_170744.5(UNC5B):c.1144G>A (p.Val382Met)

Gene: UNC5B (unc-5 netrin receptor B; plus strand). Cytogenetic location: 10q22.1.
Variant type: single nucleotide variant.
Coding change: c.1144G>A on transcript NM_170744.5 (MANE Select); coding-DNA position 1144, G replaced by A.
Protein change: p.Val382Met; replaces valine 382 with methionine.
Molecular consequence: missense variant.
Genome position (GRCh38, 1-based): chr10:71,290,959, G>A. VCF-style: chr10-71290959-G-A. GRCh37 (hg19) VCF-style: chr10-73050716-G-A.
Other names: c.1111G>A, p.Val371Met (NM_001244889.2); short protein forms V371M, V382M.
Identifiers: ClinVar variation 3042585 (VCV003042585.2), dbSNP rs149315614, ClinGen allele CA5542126.
Genomic context (GRCh38, chr10:71,290,959, plus strand): 5'-CCTCCTGTCCCCGCAGTGCTGGAGGCCTCAGGGGATGCGGCGCTGTATGCGGGGCTCGTG[G>A]TGGCCATCTTCGTGGTCGTGGCAATCCTCATGGCGGTGGGGGTGGTGGTGTACCGCCGCA-3'
Protein context (NP_734465.2, residues 372-392): GDAALYAGLV[Val382Met]AIFVVVAILM